The following is an entry in ClinVar:

ClinVar aggregate classification (germline): Uncertain significance (1 of 4 stars; one submission).

Allele frequency attached by ClinVar (database versions not stated): ExAC 0.00001; gnomAD 0.00001; TOPMed 0.00001.
gnomAD v4.1: 1 of 1,613,558 alleles (0.000062%); highest among the groups gnomAD compares: Admixed American, 0.0017%; no homozygotes.

Submission:

Labcorp Genetics (formerly Invitae), Labcorp
Classification: Uncertain significance. Last evaluated: 2022-12-05. Review status: criteria provided, single submitter. Criteria: Invitae Variant Classification Sherloc (09022015). Collection method: clinical testing. Allele origin: germline.
Comment: In summary, the available evidence is currently insufficient to determine the role of this variant in disease. Therefore, it has been classified as a Variant of Uncertain Significance. Advanced modeling of protein sequence and biophysical properties (such as structural, functional, and spatial information, amino acid conservation, physicochemical variation, residue mobility, and thermodynamic stability) performed at Invitae indicates that this missense variant is expected to disrupt ABCC6 protein function. This variant has not been reported in the literature in individuals affected with ABCC6-related conditions. This variant is not present in population databases (gnomAD no frequency). This sequence change replaces isoleucine, which is neutral and non-polar, with threonine, which is neutral and polar, at codon 629 of the ABCC6 protein (p.Ile629Thr).

NM_001171.6(ABCC6):c.1886T>C (p.Ile629Thr)

Gene: ABCC6 (ATP binding cassette subfamily C member 6; minus strand). Cytogenetic location: 16p13.11.
Variant type: single nucleotide variant.
Coding change: c.1886T>C on transcript NM_001171.6 (MANE Select); coding-DNA position 1886, T replaced by C.
Protein change: p.Ile629Thr; replaces isoleucine 629 with threonine.
Molecular consequence: missense variant. On other transcripts: non-coding transcript variant (1).
Genome position (GRCh38, 1-based): chr16:16,185,016, A>G on the plus strand (T>C on the coding strand, the complement: ABCC6 is on the minus strand). VCF-style: chr16-16185016-A-G. GRCh37 (hg19) VCF-style: chr16-16278873-A-G.
Other names: c.1544T>C, p.Ile515Thr (NM_001351800.1); short protein forms I629T, I515T.
Identifiers: ClinVar variation 2192746 (VCV002192746.4), dbSNP rs765789199, ClinGen allele CA7926115.